The following is an entry in ClinVar:

NM_012307.5(EPB41L3):c.2581C>T (p.Arg861Trp)

Gene: EPB41L3 (erythrocyte membrane protein band 4.1 like 3; minus strand). Cytogenetic location: 18p11.31.
Variant type: single nucleotide variant.
Coding change: c.2581C>T on transcript NM_012307.5 (MANE Select); coding-DNA position 2581, C replaced by T.
Protein change: p.Arg861Trp; replaces arginine 861 with tryptophan.
Molecular consequence: missense variant.
Genome position (GRCh38, 1-based): chr18:5,397,318, G>A on the plus strand (C>T on the coding strand, the complement: EPB41L3 is on the minus strand). VCF-style: chr18-5397318-G-A. GRCh37 (hg19) VCF-style: chr18-5397317-G-A.
Other names: c.2074C>T, p.Arg692Trp (NM_001281533.2, NM_001330557.2, NM_001384682.1 and 3 more transcripts); c.1915C>T, p.Arg639Trp (NM_001281534.3, NM_001384697.1); c.1588C>T, p.Arg530Trp (NM_001281535.2, NM_001384683.1); c.2635C>T, p.Arg879Trp (NM_001384685.1); c.2038C>T, p.Arg680Trp (NM_001384686.1); c.2020C>T, p.Arg674Trp (NM_001384687.1, NM_001384688.1, NM_001384692.1 and 1 more transcripts); c.1951C>T, p.Arg651Trp (NM_001384691.1, NM_001384695.1); c.1927C>T, p.Arg643Trp (NM_001384693.1); and 7 more; short protein forms R553W, R583W, R621W, R651W, R879W, R542W, R639W, R643W.
Identifiers: ClinVar variation 4982072 (VCV004982072.1).

ClinVar aggregate classification (germline): Uncertain significance (1 of 4 stars; one submission).

Conditions:
EPB41L3-related condition.

Submission:

PreventionGenetics, part of Exact Sciences
Classification: Uncertain significance for EPB41L3-related condition. Last evaluated: 2025-12-08. Review status: criteria provided, single submitter. Criteria: ACMG Guidelines, 2015. Collection method: clinical testing. Allele origin: germline.
Comment: The EPB41L3 c.2581C>T variant is predicted to result in the amino acid substitution p.Arg861Trp. To our knowledge, this variant has not been reported in the literature. This variant is reported in 0.058% of alleles in individuals of Ashkenazi Jewish descent in gnomAD. At this time, the clinical significance of this variant is uncertain due to the absence of conclusive functional and genetic evidence.